The following is an entry in ClinVar:

NM_006904.7(PRKDC):c.11920A>G (p.Met3974Val)

Gene: PRKDC (protein kinase, DNA-activated, catalytic subunit; minus strand). Cytogenetic location: 8q11.21.
Variant type: single nucleotide variant.
Coding change: c.11920A>G on transcript NM_006904.7 (MANE Select); coding-DNA position 11920, A replaced by G.
Protein change: p.Met3974Val; replaces methionine 3974 with valine.
Molecular consequence: missense variant.
Genome position (GRCh38, 1-based): chr8:47,777,808, T>C on the plus strand (A>G on the coding strand, the complement: PRKDC is on the minus strand). VCF-style: chr8-47777808-T-C. GRCh37 (hg19) VCF-style: chr8-48690369-T-C.
Other names: c.11827A>G, p.Met3943Val (NM_001081640.2); short protein forms M3974V, M3943V.
Identifiers: ClinVar variation 576326 (VCV000576326.6), dbSNP rs368108772, ClinGen allele CA4738955.
Genomic context (GRCh38, chr8:47,777,808, plus strand): 5'-CTGAGCGGAAGGCCCGGAGTGCGTGTACCATGATGCTGTACATAAGGCCCGTTTCTTTCA[T>C]TGGTAACATCAGATTGATAAACTGGCGAGTTAGCCGAAAAGGCATCAACTCAGGGACTGG-3'
Protein context (NP_008835.5, residues 3964-3984): TRQFINLMLP[Met3974Val]KETGLMYSIM

ClinVar aggregate classification (germline): Uncertain significance (1 of 4 stars; one submission).

Conditions:
Severe combined immunodeficiency due to DNA-PKcs deficiency. Also called: IMMUNODEFICIENCY 26 WITH NEUROLOGIC ABNORMALITIES; Immunodeficiency 26 with or without neurologic abnormalities. Identifiers: Orphanet 317425, MedGen C4014833, MONDO:0014423, OMIM 615966.

Allele frequency attached by ClinVar (database versions not stated): gnomAD exomes 0.00004; ExAC 0.00006; ESP Exome Variant Server 0.00016; gnomAD 0.00016; 1000 Genomes Project 30x 0.00031; TOPMed 0.00033; 1000 Genomes Project 0.00040.
gnomAD v4.1: 60 of 1,613,996 alleles (0.0037%); highest among the groups gnomAD compares: Admixed American, 0.047%; no homozygotes.

Submission:

Labcorp Genetics (formerly Invitae), Labcorp
Classification: Uncertain significance for Severe combined immunodeficiency due to DNA-PKcs deficiency. Last evaluated: 2024-06-26. Review status: criteria provided, single submitter. Criteria: Invitae Variant Classification Sherloc (09022015). Collection method: clinical testing. Allele origin: germline.
Comment: This sequence change replaces methionine with valine at codon 3974 of the PRKDC protein (p.Met3974Val). The methionine residue is weakly conserved and there is a small physicochemical difference between methionine and valine. This variant is present in population databases (rs368108772, gnomAD 0.01%). This variant has not been reported in the literature in individuals affected with PRKDC-related conditions. ClinVar contains an entry for this variant (Variation ID: 576326). Advanced modeling of protein sequence and biophysical properties (such as structural, functional, and spatial information, amino acid conservation, physicochemical variation, residue mobility, and thermodynamic stability) performed at Invitae indicates that this missense variant is not expected to disrupt PRKDC protein function with a negative predictive value of 80%. In summary, the available evidence is currently insufficient to determine the role of this variant in disease. Therefore, it has been classified as a Variant of Uncertain Significance.